The following is an entry in ClinVar:

ClinVar aggregate classification (germline): Uncertain significance (1 of 4 stars; one submission).

Conditions:
Cardiovascular phenotype. Identifiers: MedGen CN230736.

Submission:

Ambry Genetics
Classification: Uncertain significance for Cardiovascular phenotype. Last evaluated: 2026-02-15. Review status: criteria provided, single submitter. Criteria: Ambry Variant Classification Scheme 2023. Collection method: clinical testing. Allele origin: germline.
Comment: The p.V1652G variant (also known as c.4955T>G), located in coding exon 2 of the ZNF469 gene, results from a T to G substitution at nucleotide position 4955. The valine at codon 1652 is replaced by glycine, an amino acid with dissimilar properties. This amino acid position is conserved. In addition, this alteration is predicted to be tolerated by in silico analysis. Based on the available evidence, the clinical significance of this variant remains unclear.

NM_001127464.1:c.4955T>G

Gene: ZNF469 (zinc finger protein 469; plus strand).
Variant type: single nucleotide variant.
Identifiers: ClinVar variation 4845028 (VCV004845028.1).